The following is an entry in ClinVar:

ClinVar aggregate classification (germline): Uncertain significance. Review status: criteria provided, multiple submitters, no conflicts (2 of 4 stars). 2 submissions from 2 submitters: Uncertain significance (2). Last evaluated 2024-08-17.

Conditions:
Classic or attenuated familial adenomatous polyposis. Identifiers: MedGen CN372698, MONDO:0021057.
Hereditary cancer-predisposing syndrome. Also called: Neoplastic Syndromes, Hereditary; Tumor predisposition; Hereditary neoplastic syndrome; Hereditary Cancer Syndrome. Identifiers: Orphanet 140162, MedGen C0027672, MeSH D009386, MONDO:0015356.

Submissions (2):

Ambry Genetics
Classification: Uncertain significance for Hereditary cancer-predisposing syndrome. Last evaluated: 2024-08-17. Review status: criteria provided, single submitter. Criteria: Ambry Variant Classification Scheme 2023. Collection method: clinical testing. Allele origin: germline.
Comment: The p.V2777L variant (also known as c.8329G>C), located in coding exon 15 of the APC gene, results from a G to C substitution at nucleotide position 8329. The valine at codon 2777 is replaced by leucine, an amino acid with highly similar properties. This amino acid position is conserved. In addition, in silico predictors for this gene do not accurately predict pathogenicity. Based on the available evidence, the clinical significance of this variant remains unclear.

All of Us Research Program, National Institutes of Health
Classification: Uncertain significance for Classic or attenuated familial adenomatous polyposis. Last evaluated: 2023-12-13. Review status: criteria provided, single submitter. Criteria: ACMG Guidelines, 2015. Collection method: clinical testing. Allele origin: germline. Inheritance: Autosomal dominant inheritance. Observed: 1 variant allele, 1 heterozygote.
Comment: This missense variant replaces valine with leucine at codon 2777 of the APC protein. Computational prediction suggests that this variant may not impact protein structure and function (internally defined REVEL score threshold <= 0.5, PMID: 27666373). To our knowledge, functional studies have not been reported for this variant. This variant has not been reported in individuals affected with APC-related disorders in the literature. This variant has been identified in 1/250166 chromosomes in the general population by the Genome Aggregation Database (gnomAD). The available evidence is insufficient to determine the role of this variant in disease conclusively. Therefore, this variant is classified as a Variant of Uncertain Significance.

This study involves interpretation of variants in research participants for the purpose of population health screening. Participant phenotype was not available at the time of variant classification. Additional details can be found in publication PMID: 35346344, PMCID: PMC8962531

NM_000038.6(APC):c.8329G>C (p.Val2777Leu)

Gene: APC (APC regulator of Wnt signaling pathway; plus strand). Cytogenetic location: 5q22.2.
Variant type: single nucleotide variant.
Coding change: c.8329G>C on transcript NM_000038.6 (MANE Select); coding-DNA position 8329, G replaced by C.
Protein change: p.Val2777Leu; replaces valine 2777 with leucine.
Molecular consequence: missense variant. On other transcripts: non-coding transcript variant (2).
Genome position (GRCh38, 1-based): chr5:112,843,923, G>C. VCF-style: chr5-112843923-G-C. GRCh37 (hg19) VCF-style: chr5-112179620-G-C.
Other names: c.8329G>C, p.Val2777Leu (NM_001127510.3, NM_001354895.2, NM_001407450.1); c.8275G>C, p.Val2759Leu (NM_001127511.3); c.8383G>C, p.Val2795Leu (NM_001354896.2, NM_001407447.1, NM_001407448.1 and 1 more transcripts); c.8359G>C, p.Val2787Leu (NM_001354897.2); c.8254G>C, p.Val2752Leu (NM_001354898.2); c.8245G>C, p.Val2749Leu (NM_001354899.2); c.8206G>C, p.Val2736Leu (NM_001354900.2); c.8152G>C, p.Val2718Leu (NM_001354901.2, NM_001407453.1); and 12 more; short protein forms V2393L, V2494L, V2617L, V2648L, V2651L, V2676L, V2686L, V2694L.
Identifiers: ClinVar variation 3075024 (VCV003075024.2), dbSNP rs938418426, ClinGen allele CA16039405.